The following is an entry in ClinVar:

NM_004991.4(MECOM):c.1450G>A (p.Ala484Thr)

Gene: MECOM (MDS1 and EVI1 complex locus; minus strand). Cytogenetic location: 3q26.2.
Variant type: single nucleotide variant.
Coding change: c.1450G>A on transcript NM_004991.4 (MANE Select); coding-DNA position 1450, G replaced by A.
Protein change: p.Ala484Thr; replaces alanine 484 with threonine.
Molecular consequence: missense variant. On other transcripts: intron variant (2).
Genome position (GRCh38, 1-based): chr3:169,116,422, C>T on the plus strand (G>A on the coding strand, the complement: MECOM is on the minus strand). VCF-style: chr3-169116422-C-T. GRCh37 (hg19) VCF-style: chr3-168834210-C-T.
Other names: c.1081G>A, p.Ala361Thr (NM_001105077.4); c.886G>A, p.Ala296Thr (NM_001105078.4, NM_001164000.2, NM_001205194.2 and 4 more transcripts); c.889G>A, p.Ala297Thr (NM_001163999.2, NM_001366467.2, NM_001366468.2 and 1 more transcripts); c.1450G>A, p.Ala484Thr (NM_001366466.2); c.1133-655G>A (NM_001366473.2); c.569-655G>A (NM_001366474.2); short protein forms A297T, A361T, A296T, A484T.
Identifiers: ClinVar variation 4842778 (VCV004842778.1).

ClinVar aggregate classification (germline): Uncertain significance (1 of 4 stars; one submission).

Conditions:
Inborn genetic diseases. Identifiers: MedGen C0950123, MeSH D030342.

Submission:

Ambry Genetics
Classification: Uncertain significance for Inborn genetic diseases. Last evaluated: 2026-01-14. Review status: criteria provided, single submitter. Criteria: Ambry Variant Classification Scheme 2023. Collection method: clinical testing. Allele origin: germline.
Comment: The p.A484T variant (also known as c.1450G>A), located in coding exon 8 of the MECOM gene, results from a G to A substitution at nucleotide position 1450. The alanine at codon 484 is replaced by threonine, an amino acid with similar properties. This amino acid position is conserved. In addition, this alteration is predicted to be tolerated by in silico analysis. Based on the available evidence, the clinical significance of this variant remains unclear.